The following is an entry in ClinVar:

NC_000003.12:g.169764884A>G

Genes: TERC (telomerase RNA component; minus strand), LOC110806306 (telomerase RNA component (TERC) promoter; plus strand). Cytogenetic location: 3q26.2.
Variant type: single nucleotide variant.
Genome position: GRCh38 VCF-style: chr3-169764884-A-G. GRCh37 (hg19) VCF-style: chr3-169482672-A-G.
Identifiers: ClinVar variation 2716777 (VCV002716777.3), dbSNP rs2474262341, ClinGen allele CA436715521.

ClinVar aggregate classification (germline): Uncertain significance (1 of 4 stars; one submission).

Conditions:
Dyskeratosis congenita, autosomal dominant 1 (DKCA1). Also called: Dyskeratosis congenita Scoggins type. Identifiers: Orphanet 1775, MedGen C4551974, MONDO:0007485, OMIM 127550. Inheritance: Variable.

Submission:

Labcorp Genetics (formerly Invitae), Labcorp
Classification: Uncertain significance for Dyskeratosis congenita, autosomal dominant 1. Last evaluated: 2023-05-25. Review status: criteria provided, single submitter. Criteria: Invitae Variant Classification Sherloc (09022015). Collection method: clinical testing. Allele origin: germline.
Comment: This variant is located in a region of TERC in which a significant number of disease causing variants have been reported (PMID: 15082312, 21844345, 21931702). These observations suggest that this may be a clinically significant region. In summary, the available evidence is currently insufficient to determine the role of this variant in disease. Therefore, it has been classified as a Variant of Uncertain Significance. This variant is located within the template/pseudoknot domain of the TERC RNA component, which is required for RNA or RNP stability (PMID: 15082312, 21844345). This variant occurs in the TERC gene, which encodes an RNA molecule that does not result in a protein product. This variant is not present in population databases (gnomAD no frequency). This variant has not been reported in the literature in individuals affected with TERC-related conditions.

Literature cited by the submitters: PubMed 15082312; PubMed 21844345; PubMed 21931702.